The following is an entry in ClinVar:

ClinVar aggregate classification (germline): Benign/Likely benign. Review status: criteria provided, multiple submitters, no conflicts (2 of 4 stars). 2 submissions from 2 submitters: Benign (1); Likely benign (1). Last evaluated 2024-07-24.

Conditions:
Familial cancer of breast. Also called: BREAST CANCER, FAMILIAL; Hereditary breast cancer; hereditary breast carcinoma. Identifiers: Orphanet 227535, MedGen C0346153, MONDO:0016419, OMIM 114480. Disease mechanism: loss of function.
Hereditary cancer-predisposing syndrome. Also called: Neoplastic Syndromes, Hereditary; Tumor predisposition; Hereditary neoplastic syndrome; Hereditary Cancer Syndrome. Identifiers: Orphanet 140162, MedGen C0027672, MeSH D009386, MONDO:0015356.

Submissions (2):

Myriad Genetics, Inc.
Classification: Benign for Familial cancer of breast. Last evaluated: 2024-07-24. Review status: criteria provided, single submitter. Criteria: Myriad Autosomal Dominant, Autosomal Recessive and X-Linked Classification Criteria (2023). Collection method: clinical testing. Allele origin: unknown.
Comment: This variant is considered benign. This variant is a silent/synonymous amino acid change and it is not expected to impact splicing.

Ambry Genetics
Classification: Likely benign for Hereditary cancer-predisposing syndrome. Last evaluated: 2022-12-19. Review status: criteria provided, single submitter. Criteria: Ambry Variant Classification Scheme 2023. Collection method: clinical testing. Allele origin: germline.

NM_000465.4(BARD1):c.1213A>C (p.Arg405=)

Gene: BARD1 (BRCA1 associated RING domain 1; minus strand). Cytogenetic location: 2q35.
Variant type: single nucleotide variant.
Coding change: c.1213A>C on transcript NM_000465.4 (MANE Select); coding-DNA position 1213, A replaced by C.
Protein change: p.Arg405=; no amino-acid change (arginine 405 retained).
Molecular consequence: synonymous variant. On other transcripts: non-coding transcript variant (2), intron variant (3).
Genome position (GRCh38, 1-based): chr2:214,780,661, T>G on the plus strand (A>C on the coding strand, the complement: BARD1 is on the minus strand). VCF-style: chr2-214780661-T-G. GRCh37 (hg19) VCF-style: chr2-215645385-T-G.
Other names: c.1156A>C, p.Arg386= (NM_001282543.2); c.159-28106A>C (NM_001282548.2); c.215+16400A>C (NM_001282545.2); c.364+11636A>C (NM_001282549.2).
Identifiers: ClinVar variation 2450470 (VCV002450470.3), dbSNP rs876659886, ClinGen allele CA431391450.